The following is an entry in ClinVar:

NM_001605.3(AARS1):c.1878C>T (p.Gly626=)

Gene: AARS1 (alanyl-tRNA synthetase 1; minus strand). Cytogenetic location: 16q22.1.
Variant type: single nucleotide variant.
Coding change: c.1878C>T on transcript NM_001605.3 (MANE Select); coding-DNA position 1878, C replaced by T.
Protein change: p.Gly626=; no amino-acid change (glycine 626 retained).
Molecular consequence: synonymous variant.
Genome position (GRCh38, 1-based): chr16:70,259,094, G>A on the plus strand (C>T on the coding strand, the complement: AARS1 is on the minus strand). VCF-style: chr16-70259094-G-A. GRCh37 (hg19) VCF-style: chr16-70292997-G-A.
Other names: c.1878C>T (NM_001605.2).
Identifiers: ClinVar variation 1682191 (VCV001682191.8), dbSNP rs752673097, ClinGen allele CA8140643.

ClinVar aggregate classification (germline): Likely benign (1 of 4 stars; one submission).

Conditions:
Charcot-Marie-Tooth disease axonal type 2N (CMT2N). Also called: CHARCOT-MARIE-TOOTH DISEASE, AXONAL, AUTOSOMAL DOMINANT, TYPE 2N; CHARCOT-MARIE-TOOTH NEUROPATHY, AXONAL, TYPE 2N; Charcot-Marie-Tooth Neuropathy Type 2N. Identifiers: Orphanet 228174, MedGen C2750090, MONDO:0013212, OMIM 613287.
Developmental and epileptic encephalopathy, 29 (DEE29). Also called: Epileptic encephalopathy, early infantile, 29. Identifiers: Orphanet 442835, MedGen C4225361, MONDO:0014593, OMIM 616339.
Charcot-Marie-Tooth disease type 2. Also called: Charcot-Marie-Tooth type 2. Identifiers: Orphanet 64746, MedGen C0270914, MONDO:0018993.

Allele frequency attached by ClinVar (database versions not stated): TOPMed 0.00003; gnomAD exomes below 0.00001; gnomAD 0.00006; ExAC 0.00001.
gnomAD v4.1: 13 of 1,614,092 alleles (0.00081%); highest among the groups gnomAD compares: African/African-American, 0.016%; no homozygotes.

Submission:

Labcorp Genetics (formerly Invitae), Labcorp
Classification: Likely benign for Charcot-Marie-Tooth disease type 2. Last evaluated: 2025-12-23. Review status: criteria provided, single submitter. Criteria: Invitae Variant Classification Sherloc (09022015). Collection method: clinical testing. Allele origin: germline.